The following is an entry in ClinVar:

ClinVar aggregate classification (germline): Uncertain significance (1 of 4 stars; one submission).

Conditions:
Hypertrophic cardiomyopathy. Also called: HYPERTROPHIC MYOCARDIOPATHY. Identifiers: Orphanet 217569, MedGen C0007194, MeSH D002312, MONDO:0005045, HP:0001639.

Submission:

Labcorp Genetics (formerly Invitae), Labcorp
Classification: Uncertain significance for Hypertrophic cardiomyopathy. Last evaluated: 2025-10-17. Review status: criteria provided, single submitter. Criteria: Invitae Variant Classification Sherloc (09022015). Collection method: clinical testing. Allele origin: germline.
Comment: This sequence change falls in intron 12 of the MYBPC3 gene. It does not directly change the encoded amino acid sequence of the MYBPC3 protein. It affects a nucleotide within the consensus splice site. This variant is not present in population databases (gnomAD no frequency). This variant has not been reported in the literature in individuals affected with MYBPC3-related conditions. Variants that disrupt the consensus splice site are a relatively common cause of aberrant splicing (PMID: 17576681, 9536098). Algorithms developed to predict the effect of sequence changes on RNA splicing suggest that this variant may disrupt the consensus splice site. In summary, the available evidence is currently insufficient to determine the role of this variant in disease. Therefore, it has been classified as a Variant of Uncertain Significance.

Literature cited by the submitters: PubMed 17576681; PubMed 9536098.

NM_000256.3(MYBPC3):c.1091-3C>G

Gene: MYBPC3 (myosin binding protein C3; minus strand). Cytogenetic location: 11p11.2.
Variant type: single nucleotide variant.
Coding change: c.1091-3C>G on transcript NM_000256.3 (MANE Select); 3 bases into the intron before coding-DNA position 1091, C replaced by G.
Molecular consequence: intron variant.
Genome position (GRCh38, 1-based): chr11:47,343,627, G>C on the plus strand (C>G on the coding strand, the complement: MYBPC3 is on the minus strand). VCF-style: chr11-47343627-G-C. GRCh37 (hg19) VCF-style: chr11-47365178-G-C.
Identifiers: ClinVar variation 4726195 (VCV004726195.1).